The following is an entry in ClinVar:

NM_001844.5(COL2A1):c.1223G>A (p.Gly408Asp)

Gene: COL2A1 (collagen type II alpha 1 chain; minus strand). Cytogenetic location: 12q13.11.
Variant type: single nucleotide variant.
Coding change: c.1223G>A on transcript NM_001844.5 (MANE Select); coding-DNA position 1223, G replaced by A.
Protein change: p.Gly408Asp; replaces glycine 408 with aspartic acid.
Molecular consequence: missense variant.
Genome position (GRCh38, 1-based): chr12:47,987,312, C>T on the plus strand (G>A on the coding strand, the complement: COL2A1 is on the minus strand). VCF-style: chr12-47987312-C-T. GRCh37 (hg19) VCF-style: chr12-48381095-C-T.
Other names: c.1016G>A, p.Gly339Asp (NM_033150.3); short protein forms G408D, G339D.
Identifiers: ClinVar variation 3721129 (VCV003721129.3).
Genomic context (GRCh38, chr12:47,987,312, plus strand): 5'-CCACGGGCAACACTCACAGCAGATCCTTTGGCTCCAGGAATTCCATCTGTTCCAGGGTTA[C>T]CCTGAAAAGGGAGACATTGTCAAATAAGCAGCAAAGAATGAACCCCAACCACCTCCAGCC-3'
Protein context (NP_001835.3, residues 398-418): PGSPGPAGAS[Gly408Asp]NPGTDGIPGA

ClinVar aggregate classification (germline): Pathogenic/Likely pathogenic. Review status: criteria provided, multiple submitters, no conflicts (2 of 4 stars). 2 submissions from 2 submitters: Pathogenic (1); Likely pathogenic (1). Last evaluated 2025-03-18.

Conditions:
Kniest dysplasia. Identifiers: Orphanet 485, MedGen C0265279, MONDO:0007987, OMIM 156550.

Submissions (2):

Labcorp Genetics (formerly Invitae), Labcorp
Classification: Likely pathogenic. Last evaluated: 2025-03-18. Review status: criteria provided, single submitter. Criteria: Invitae Variant Classification Sherloc (09022015). Collection method: clinical testing. Allele origin: germline.
Comment: This sequence change replaces glycine, which is neutral and non-polar, with aspartic acid, which is acidic and polar, at codon 408 of the COL2A1 protein (p.Gly408Asp). This variant is not present in population databases (gnomAD no frequency). This missense change has been observed in individual(s) with clinical features of congenital spondylo-epiphyseal dysplasia (PMID: 22791362). Experimental studies and prediction algorithms are not available or were not evaluated, and the functional significance of this variant is currently unknown. This variant disrupts the triple helix domain of COL2A1. Glycine residues within the Gly-Xaa-Yaa repeats of the triple helix domain are required for the structure and stability of fibrillar collagens (PMID: 7695699, 8218237, 19344236). In COL2A1, variants affecting these glycine residues are significantly enriched in individuals with disease (PMID: 9016532, 17078022) compared to the general population (ExAC). In summary, the currently available evidence indicates that the variant is pathogenic, but additional data are needed to prove that conclusively. Therefore, this variant has been classified as Likely Pathogenic.

Clinical Biomedical Laboratory, Shriners Hospital For Children - Canada
Classification: Pathogenic for Kniest dysplasia. Review status: criteria provided, single submitter. Criteria: ACMG Guidelines, 2015. Collection method: clinical testing. Allele origin: germline. Affected: yes.
Comment: This variant is predicted to substitute a glycine residue by an aspartate residue in the triple helical domain of the collagen type II alpha 1 chain. The variant is absent in the Genome Aggregation Database (v2.1.1), indicating it is very rare. Computational tools (REVEL: 0.99) suggest that the amino acid change is deleterious to protein function. Glycine substitutions in the triple helical domain of the collagen type II alpha 1 chain cause disruption in the formation of the triple helix in the collagen type II molecule and are a typical cause of COL2A1-related bone dysplasia. Based on the ACMG variant interpretation guidelines (criteria: PS3, PM2, PM5, PP2, PP3, PP4), the available evidence supports classification of this variant as pathogenic.

Literature cited by the submitters: PubMed 22791362 (cited by Labcorp Genetics (formerly Invitae), Labcorp); PubMed 7695699 (cited by Labcorp Genetics (formerly Invitae), Labcorp); PubMed 8218237 (cited by Labcorp Genetics (formerly Invitae), Labcorp); PubMed 19344236 (cited by Labcorp Genetics (formerly Invitae), Labcorp); PubMed 9016532 (cited by Labcorp Genetics (formerly Invitae), Labcorp); PubMed 17078022 (cited by Labcorp Genetics (formerly Invitae), Labcorp).